The following is an entry in ClinVar:

NM_015533.4(TKFC):c.598G>A (p.Val200Ile)

Gene: TKFC (triokinase and FMN cyclase; plus strand). Cytogenetic location: 11q12.2.
Variant type: single nucleotide variant.
Coding change: c.598G>A on transcript NM_015533.4 (MANE Select); coding-DNA position 598, G replaced by A.
Protein change: p.Val200Ile; replaces valine 200 with isoleucine.
Molecular consequence: missense variant.
Genome position (GRCh38, 1-based): chr11:61,341,855, G>A. VCF-style: chr11-61341855-G-A. GRCh37 (hg19) VCF-style: chr11-61109327-G-A.
Other names: c.598G>A, p.Val200Ile (NM_001351976.2, NM_001351977.2, NM_001351978.2 and 1 more transcripts); c.388G>A, p.Val130Ile (NM_001351980.2); short protein forms V130I, V200I.
Identifiers: ClinVar variation 3336659 (VCV003336659.2).

ClinVar aggregate classification (germline): Uncertain significance (1 of 4 stars; one submission).

Conditions:
Triokinase and FMN cyclase deficiency syndrome. Identifiers: MedGen C5394125, MONDO:0032927, OMIM 618805.

gnomAD v4.1: 124 of 1,613,932 alleles (0.0077%); highest among the groups gnomAD compares: South Asian, 0.072%; no homozygotes.

Submission:

Medical Molecular Genetics Department, National Research Center
Classification: Uncertain significance for Triokinase and FMN cyclase deficiency syndrome. Review status: criteria provided, single submitter. Criteria: ACMG Guidelines, 2015. Collection method: clinical testing. Allele origin: germline. Inheritance: Autosomal recessive inheritance. Affected: yes. Observed: 2 homozygotes.